The following is an entry in ClinVar:

NM_002693.3(POLG):c.1704_1711dup (p.Gly571fs)

Gene: POLG (DNA polymerase gamma, catalytic subunit; minus strand). Cytogenetic location: 15q26.1.
Variant type: Duplication.
Coding change: c.1704_1711dup on transcript NM_002693.3 (MANE Select); coding-DNA positions 1704 to 1711, 8 bases duplicated (ACACCCTG; older notation c.1704_1711dupACACCCTG).
Protein change: p.Gly571fs; shifts the reading frame from glycine 571.
Molecular consequence: frameshift variant.
Genome position (GRCh38, 1-based): chr15:89,326,613-89,326,620, CAGGGTGT duplicated on the plus strand (ACACCCTG on the coding strand, the reverse complement: POLG is on the minus strand); duplicating any 8 consecutive bases within chr15:89,326,613-89,326,621 gives the same sequence; the c. name uses the placement nearest the transcript's 3' end. VCF-style (leftmost placement, unchanged base first): chr15-89326612-C-CCAGGGTGT. GRCh37 (hg19) VCF-style: chr15-89869843-C-CCAGGGTGT.
Other names: c.1704_1711dup, p.Gly571fs (NM_001126131.2); short protein forms G571fs.
Identifiers: ClinVar variation 5013276 (VCV005013276.1).

ClinVar aggregate classification (germline): Pathogenic (1 of 4 stars; one submission).

Conditions:
POLG-related disorder. Also called: POLG-Related Spectrum Disorders; POLG-related condition; POLG-Related Disorders. Identifiers: MedGen C4763519.

Submission:

Myriad Genetics, Inc.
Classification: Pathogenic for POLG-related disorder. Last evaluated: 2024-07-03. Review status: criteria provided, single submitter. Criteria: Myriad Autosomal Dominant, Autosomal Recessive and X-Linked Classification Criteria (2023). Collection method: clinical testing. Allele origin: unknown.
Comment: NM_002693.2(POLG):c.1704_1711dup8(G571Dfs*13) is expected to be pathogenic in the context of POLG-related disorders. This variant is predicted to lead to an abnormal or absent protein product due to the creation of a premature termination codon in POLG, a gene where loss-of-function variants are known to be pathogenic. Please note: this variant was assessed in the context of healthy population screening.